The following is an entry in ClinVar:

ClinVar aggregate classification (germline): Benign (1 of 4 stars; one submission).

Allele frequency attached by ClinVar (database versions not stated): gnomAD 0.04259 and 0.04309; TOPMed 0.04562; 1000 Genomes Project 30x 0.06574; 1000 Genomes Project 0.06869.
gnomAD v4.1: 6,547 of 152,254 alleles (4.3%); highest among the groups gnomAD compares: East Asian, 19%; 235 homozygotes.

Submission:

GeneDx
Classification: Benign. Last evaluated: 2018-06-14. Review status: criteria provided, single submitter. Criteria: GeneDx Variant Classification (06012015). Collection method: clinical testing. Allele origin: germline. Affected: yes.
Comment: This variant is considered likely benign or benign based on one or more of the following criteria: it is a conservative change, it occurs at a poorly conserved position in the protein, it is predicted to be benign by multiple in silico algorithms, and/or has population frequency not consistent with disease.

NM_001267550.2(TTN):c.29042-261G>A

Gene: TTN (titin; minus strand). Cytogenetic location: 2q31.2.
Variant type: single nucleotide variant.
Coding change: c.29042-261G>A on transcript NM_001267550.2 (MANE Select); 261 bases into the intron before coding-DNA position 29042, G replaced by A.
Molecular consequence: intron variant.
Genome position (GRCh38, 1-based): chr2:178,707,215, C>T on the plus strand (G>A on the coding strand, the complement: TTN is on the minus strand). VCF-style: chr2-178707215-C-T. GRCh37 (hg19) VCF-style: chr2-179571942-C-T.
Other names: c.13282+30867G>A (NM_003319.4); c.13858+30867G>A (NM_133437.4); c.13657+30867G>A (NM_133432.3); c.25310-261G>A (NM_133378.4); c.28091-261G>A (NM_001256850.1).
Identifiers: ClinVar variation 680827 (VCV000680827.1), dbSNP rs2742340, ClinGen allele CA15161228.